The following is an entry in ClinVar:

NM_019032.6(ADAMTSL4):c.2839G>A (p.Val947Met)

Gene: ADAMTSL4 (ADAMTS like 4; plus strand). Cytogenetic location: 1q21.2.
Variant type: single nucleotide variant.
Coding change: c.2839G>A on transcript NM_019032.6 (MANE Select); coding-DNA position 2839, G replaced by A.
Protein change: p.Val947Met; replaces valine 947 with methionine.
Molecular consequence: missense variant.
Genome position (GRCh38, 1-based): chr1:150,559,362, G>A. VCF-style: chr1-150559362-G-A. GRCh37 (hg19) VCF-style: chr1-150531838-G-A.
Other names: c.2722G>A, p.Val908Met (NM_001288607.2); c.2908G>A, p.Val970Met (NM_001288608.2); c.2839G>A, p.Val947Met (NM_001378596.1); short protein forms V908M, V947M, V970M.
Identifiers: ClinVar variation 874507 (VCV000874507.9), dbSNP rs145015450, ClinGen allele CA1078856.
Genomic context (GRCh38, chr1:150,559,362, plus strand): 5'-GGCTCTGGCACACAGCGTAGAGACATCATCTGTGTATCCAAACTGGGGACGGAGTTCAAC[G>A]TGACTTCTCCGAGCAACTGTTCTCACCTCCCCAGGCCCCCTGCCCTGCAGCCCTGTCAAG-3'
Protein context (NP_061905.2, residues 937-957): CVSKLGTEFN[Val947Met]TSPSNCSHLP

ClinVar aggregate classification (germline): Uncertain significance. Review status: criteria provided, multiple submitters, no conflicts (2 of 4 stars). 5 submissions from 4 submitters: Uncertain significance (5). Last evaluated 2023-04-11.

Conditions:
Ectopia lentis et pupillae. Also called: ECTOPIA LENTIS WITH ECTOPIA OF PUPIL. Identifiers: Orphanet 1885, MedGen C1644196, MONDO:0009153, OMIM 225200.
Ectopia lentis 2, isolated, autosomal recessive (ECTOL2). Identifiers: Orphanet 1885, MedGen C3541474, MONDO:0009152, OMIM 225100.

Allele frequency attached by ClinVar (database versions not stated): ExAC 0.00012; ESP Exome Variant Server 0.00015; gnomAD exomes 0.00017 and 0.00020; gnomAD 0.00007; TOPMed 0.00008.

Submissions (5):

Genome-Nilou Lab
Classification: Uncertain significance for Ectopia lentis et pupillae. Last evaluated: 2023-04-11. Review status: criteria provided, single submitter. Criteria: ACMG Guidelines, 2015. Collection method: clinical testing. Allele origin: germline. Affected: no.

Genome-Nilou Lab
Classification: Uncertain significance for Ectopia lentis 2, isolated, autosomal recessive. Last evaluated: 2023-04-11. Review status: criteria provided, single submitter. Criteria: ACMG Guidelines, 2015. Collection method: clinical testing. Allele origin: germline. Affected: no.

Labcorp Genetics (formerly Invitae), Labcorp
Classification: Uncertain significance. Last evaluated: 2022-10-04. Review status: criteria provided, single submitter. Criteria: Invitae Variant Classification Sherloc (09022015). Collection method: clinical testing. Allele origin: germline.
Comment: This sequence change replaces valine, which is neutral and non-polar, with methionine, which is neutral and non-polar, at codon 947 of the ADAMTSL4 protein (p.Val947Met). This variant is present in population databases (rs145015450, gnomAD 0.02%). This variant has not been reported in the literature in individuals affected with ADAMTSL4-related conditions. ClinVar contains an entry for this variant (Variation ID: 874507). Advanced modeling of protein sequence and biophysical properties (such as structural, functional, and spatial information, amino acid conservation, physicochemical variation, residue mobility, and thermodynamic stability) performed at Invitae indicates that this missense variant is expected to disrupt ADAMTSL4 protein function. In summary, the available evidence is currently insufficient to determine the role of this variant in disease. Therefore, it has been classified as a Variant of Uncertain Significance.

Illumina Laboratory Services, Illumina
Classification: Uncertain significance for Ectopia lentis 2, isolated, autosomal recessive. Last evaluated: 2018-01-13. Review status: criteria provided, single submitter. Criteria: ICSL Variant Classification Criteria 13 December 2019. Collection method: clinical testing. Allele origin: germline.

Center for Genomics, Ann and Robert H. Lurie Children's Hospital of Chicago
Classification: Uncertain significance for Ectopia lentis et pupillae; Ectopia lentis 2, isolated, autosomal recessive. Review status: criteria provided, single submitter. Criteria: ACMG Guidelines, 2015. Collection method: clinical testing. Allele origin: germline.
Comment: ADAMTSL4 NM_019032.5 exon 17 p.Val947Met (c.2839G>A): This variant has not been reported in the literature but is present in 0.01% (9/68014) of European alleles in the Genome Aggregation Database. This variant is present in ClinVar (Variation ID:874507). Evolutionary conservation and computational predictive tools suggest that this variant may impact the protein. In summary, data on this variant is insufficient for disease classification. Therefore, the clinical significance of this variant is uncertain.